The following is an entry in ClinVar:

ClinVar aggregate classification (germline): Uncertain significance. Review status: criteria provided, multiple submitters, no conflicts (2 of 4 stars). 2 submissions from 2 submitters: Uncertain significance (2). Last evaluated 2022-12-25.

Conditions:
Inborn genetic diseases. Identifiers: MedGen C0950123, MeSH D030342.
Autosomal dominant Parkinson disease 8. Also called: Parkinson disease 8, susceptibility to; LRRK2-Related Parkinson Disease; Parkinson disease 8. Identifiers: Orphanet 411602, MedGen C1846862, MONDO:0011764, OMIM 607060.

Allele frequency attached by ClinVar (database versions not stated): gnomAD exomes below 0.00001 and 0.00001; ExAC 0.00001; gnomAD 0.00001; TOPMed 0.00002; 1000 Genomes Project 30x 0.00016; 1000 Genomes Project 0.00020.
gnomAD v4.1: 3 of 1,613,936 alleles (0.00019%); highest among the groups gnomAD compares: Admixed American, 0.005%; no homozygotes.

Submissions (2):

Ambry Genetics
Classification: Uncertain significance for Inborn genetic diseases. Last evaluated: 2022-12-25. Review status: criteria provided, single submitter. Criteria: Ambry Variant Classification Scheme 2023. Collection method: clinical testing. Allele origin: germline.
Comment: The p.F2059L variant (also known as c.6175T>C), located in coding exon 42 of the LRRK2 gene, results from a T to C substitution at nucleotide position 6175. The phenylalanine at codon 2059 is replaced by leucine, an amino acid with highly similar properties. This amino acid position is conserved. In addition, this alteration is predicted to be deleterious by in silico analysis. Since supporting evidence is limited at this time, the clinical significance of this alteration remains unclear.

Labcorp Genetics (formerly Invitae), Labcorp
Classification: Uncertain significance for Autosomal dominant Parkinson disease 8. Last evaluated: 2022-06-10. Review status: criteria provided, single submitter. Criteria: Invitae Variant Classification Sherloc (09022015). Collection method: clinical testing. Allele origin: germline.
Comment: In summary, the available evidence is currently insufficient to determine the role of this variant in disease. Therefore, it has been classified as a Variant of Uncertain Significance. Algorithms developed to predict the effect of missense changes on protein structure and function are either unavailable or do not agree on the potential impact of this missense change (SIFT: "Deleterious"; PolyPhen-2: "Probably Damaging"; Align-GVGD: "Class C0"). ClinVar contains an entry for this variant (Variation ID: 961639). This variant has not been reported in the literature in individuals affected with LRRK2-related conditions. This variant is present in population databases (rs528838140, gnomAD 0.006%). This sequence change replaces phenylalanine, which is neutral and non-polar, with leucine, which is neutral and non-polar, at codon 2059 of the LRRK2 protein (p.Phe2059Leu).

NM_198578.4(LRRK2):c.6175T>C (p.Phe2059Leu)

Gene: LRRK2 (leucine rich repeat kinase 2; plus strand). Cytogenetic location: 12q12.
Variant type: single nucleotide variant.
Coding change: c.6175T>C on transcript NM_198578.4 (MANE Select); coding-DNA position 6175, T replaced by C.
Protein change: p.Phe2059Leu; replaces phenylalanine 2059 with leucine.
Molecular consequence: missense variant.
Genome position (GRCh38, 1-based): chr12:40,346,818, T>C. VCF-style: chr12-40346818-T-C. GRCh37 (hg19) VCF-style: chr12-40740620-T-C.
Other names: short protein forms F2059L.
Identifiers: ClinVar variation 961639 (VCV000961639.11), dbSNP rs528838140, ClinGen allele CA6514620.